The following is an entry in ClinVar:

ClinVar aggregate classification (germline): Conflicting classifications of pathogenicity. Review status: criteria provided, conflicting classifications (1 of 4 stars). 3 submissions from 3 submitters: Uncertain significance (2); Benign (1). Last evaluated 2025-09-18.

Conditions:
Aplastic anemia. Identifiers: Orphanet 182040, Orphanet 88, MedGen C0002874, MONDO:0015909, OMIM 609135, HP:0001915.
Hereditary cancer-predisposing syndrome. Also called: Neoplastic Syndromes, Hereditary; Tumor predisposition; Hereditary Cancer Syndrome; Hereditary neoplastic syndrome. Identifiers: Orphanet 140162, MedGen C0027672, MeSH D009386, MONDO:0015356.

gnomAD v4.1: 1 of 1,612,752 alleles (0.000062%); no homozygotes.

Submissions (3):

Ambry Genetics
Classification: Uncertain significance for Hereditary cancer-predisposing syndrome. Last evaluated: 2025-09-18. Review status: criteria provided, single submitter. Criteria: Ambry Variant Classification Scheme 2023. Collection method: clinical testing. Allele origin: germline.
Comment: The p.T60K variant (also known as c.179C>A), located in coding exon 3 of the NBN gene, results from a C to A substitution at nucleotide position 179. The threonine at codon 60 is replaced by lysine, an amino acid with similar properties. This amino acid position is poorly conserved in available vertebrate species. In addition, this alteration is predicted to be tolerated by in silico analysis. Since supporting evidence is limited at this time, the clinical significance of this alteration remains unclear.

Baylor Genetics
Classification: Uncertain significance for Aplastic anemia. Last evaluated: 2023-11-30. Review status: criteria provided, single submitter. Criteria: ACMG Guidelines, 2015. Collection method: clinical testing. Allele origin: unknown.

Mendelics
Classification: Benign. Last evaluated: 2022-05-04. Review status: criteria provided, single submitter. Criteria: Mendelics Assertion Criteria 2019. Collection method: clinical testing. Allele origin: germline.

NM_002485.5(NBN):c.179C>A (p.Thr60Lys)

Gene: NBN (nibrin; minus strand). Cytogenetic location: 8q21.3.
Variant type: single nucleotide variant.
Coding change: c.179C>A on transcript NM_002485.5 (MANE Select); coding-DNA position 179, C replaced by A.
Protein change: p.Thr60Lys; replaces threonine 60 with lysine.
Molecular consequence: missense variant. On other transcripts: 5 prime UTR variant (1).
Genome position (GRCh38, 1-based): chr8:89,981,516, G>T on the plus strand (C>A on the coding strand, the complement: NBN is on the minus strand). VCF-style: chr8-89981516-G-T. GRCh37 (hg19) VCF-style: chr8-90993744-G-T.
Other names: c.-68C>A (NM_001024688.3); short protein forms T60K.
Identifiers: ClinVar variation 820097 (VCV000820097.7), dbSNP rs1586109164, ClinGen allele CA371662629.